The following is an entry in ClinVar:

ClinVar aggregate classification (germline): Benign. Review status: criteria provided, multiple submitters, no conflicts (2 of 4 stars). 3 submissions from 3 submitters: Benign (2). 1 of the submissions does not count toward it. Last evaluated 2025-09-22.

Conditions:
NRIP1-related disorder. Also called: NRIP1-related condition.

Allele frequency attached by ClinVar (database versions not stated): gnomAD exomes 0.00036 and 0.00098; ExAC 0.00115; gnomAD 0.00368 and 0.00393; ESP Exome Variant Server 0.00400; TOPMed 0.00417; 1000 Genomes Project 30x 0.00468; 1000 Genomes Project 0.00479.
gnomAD v4.1: 1,100 of 1,614,058 alleles (0.068%); highest among the groups gnomAD compares: African/African-American, 1.3%; 6 homozygotes.

Submissions (3):

Labcorp Genetics (formerly Invitae), Labcorp
Classification: Benign. Last evaluated: 2025-09-22. Review status: criteria provided, single submitter. Criteria: Invitae Variant Classification Sherloc (09022015). Collection method: clinical testing. Allele origin: germline.

Breakthrough Genomics
Classification: Benign. Review status: criteria provided, single submitter. Criteria: ACMG Guidelines, 2015. Collection method: not provided. Allele origin: germline. Inheritance: Autosomal dominant inheritance. Affected: yes.

PreventionGenetics, part of Exact Sciences
Classification: Likely benign for NRIP1-related condition. Last evaluated: 2020-03-11. Review status: no assertion criteria provided. Collection method: clinical testing. Allele origin: germline. Not counted in ClinVar's aggregate classification.
Comment: This variant is classified as likely benign based on ACMG/AMP sequence variant interpretation guidelines (Richards et al. 2015 PMID: 25741868, with internal and published modifications).

NM_003489.4(NRIP1):c.978T>A (p.Asn326Lys)

Gene: NRIP1 (nuclear receptor interacting protein 1; minus strand). Cytogenetic location: 21q11.2.
Variant type: single nucleotide variant.
Coding change: c.978T>A on transcript NM_003489.4 (MANE Select); coding-DNA position 978, T replaced by A.
Protein change: p.Asn326Lys; replaces asparagine 326 with lysine.
Molecular consequence: missense variant.
Genome position (GRCh38, 1-based): chr21:14,967,215, A>T on the plus strand (T>A on the coding strand, the complement: NRIP1 is on the minus strand). VCF-style: chr21-14967215-A-T. GRCh37 (hg19) VCF-style: chr21-16339536-A-T.
Other names: short protein forms N326K.
Identifiers: ClinVar variation 709307 (VCV000709307.11), dbSNP rs115584205, ClinGen allele CA9981419.